The following is an entry in ClinVar:

ClinVar aggregate classification (germline): Uncertain significance (1 of 4 stars; one submission).

Allele frequency attached by ClinVar (database versions not stated): gnomAD exomes below 0.00001 and 0.00001; gnomAD 0.00001.
gnomAD v4.1: 3 of 1,610,958 alleles (0.00019%); highest among the groups gnomAD compares: Admixed American, 0.005%; no homozygotes.

Submission:

Labcorp Genetics (formerly Invitae), Labcorp
Classification: Uncertain significance. Last evaluated: 2022-07-13. Review status: criteria provided, single submitter. Criteria: Invitae Variant Classification Sherloc (09022015). Collection method: clinical testing. Allele origin: germline.
Comment: Algorithms developed to predict the effect of missense changes on protein structure and function (SIFT, PolyPhen-2, Align-GVGD) all suggest that this variant is likely to be tolerated. This sequence change replaces threonine, which is neutral and polar, with isoleucine, which is neutral and non-polar, at codon 534 of the SUCO protein (p.Thr534Ile). This variant is present in population databases (no rsID available, gnomAD 0.009%). This variant has not been reported in the literature in individuals affected with SUCO-related conditions. ClinVar contains an entry for this variant (Variation ID: 1438344). In summary, the available evidence is currently insufficient to determine the role of this variant in disease. Therefore, it has been classified as a Variant of Uncertain Significance.

NM_014283.5(SUCO):c.1601C>T (p.Thr534Ile)

Gene: SUCO (SUN domain containing ossification factor; plus strand). Cytogenetic location: 1q24.3.
Variant type: single nucleotide variant.
Coding change: c.1601C>T on transcript NM_014283.5 (MANE Select); coding-DNA position 1601, C replaced by T.
Protein change: p.Thr534Ile; replaces threonine 534 with isoleucine.
Molecular consequence: missense variant. On other transcripts: intron variant (1).
Genome position (GRCh38, 1-based): chr1:172,585,891, C>T. VCF-style: chr1-172585891-C-T. GRCh37 (hg19) VCF-style: chr1-172555031-C-T.
Other names: c.1490C>T, p.Thr497Ile (NM_001282750.2); c.2054C>T, p.Thr685Ile (NM_016227.4); c.-31-2869C>T (NM_001282751.2); short protein forms T534I, T497I, T685I.
Identifiers: ClinVar variation 1438344 (VCV001438344.6), dbSNP rs921089340, ClinGen allele CA32727054.